The following is an entry in ClinVar:

ClinVar aggregate classification (germline): Uncertain significance (1 of 4 stars; one submission).

Conditions:
Granulomatous disease, chronic, autosomal recessive, cytochrome b-negative. Also called: CGD DUE TO DEFICIENCY OF THE ALPHA SUBUNIT OF CYTOCHROME b; CGD, AUTOSOMAL RECESSIVE CYTOCHROME b-NEGATIVE; CYBA DEFICIENCY; GRANULOMATOUS DISEASE, CHRONIC, AUTOSOMAL RECESSIVE, 4; Chronic granulomatous disease, autosomal, due to deficiency of CYBA. Identifiers: Orphanet 379, MedGen C1856255, MONDO:0009308, OMIM 233690.

gnomAD v4.1: 1 of 1,534,548 alleles (0.000065%); highest among the groups gnomAD compares: Non-Finnish European, 0.000087%; no homozygotes.

Submission:

Labcorp Genetics (formerly Invitae), Labcorp
Classification: Uncertain significance for Granulomatous disease, chronic, autosomal recessive, cytochrome b-negative. Last evaluated: 2024-08-31. Review status: criteria provided, single submitter. Criteria: Invitae Variant Classification Sherloc (09022015). Collection method: clinical testing. Allele origin: germline.
Comment: This sequence change replaces glutamine, which is neutral and polar, with arginine, which is basic and polar, at codon 143 of the CYBA protein (p.Gln143Arg). This variant is not present in population databases (gnomAD no frequency). This variant has not been reported in the literature in individuals affected with CYBA-related conditions. An algorithm developed to predict the effect of missense changes on protein structure and function (PolyPhen-2) suggests that this variant is likely to be disruptive. In summary, the available evidence is currently insufficient to determine the role of this variant in disease. Therefore, it has been classified as a Variant of Uncertain Significance.

NM_000101.4(CYBA):c.428A>G (p.Gln143Arg)

Gene: CYBA (cytochrome b-245 alpha chain; minus strand). Cytogenetic location: 16q24.2.
Variant type: single nucleotide variant.
Coding change: c.428A>G on transcript NM_000101.4 (MANE Select); coding-DNA position 428, A replaced by G.
Protein change: p.Gln143Arg; replaces glutamine 143 with arginine.
Molecular consequence: missense variant.
Genome position (GRCh38, 1-based): chr16:88,643,513, T>C on the plus strand (A>G on the coding strand, the complement: CYBA is on the minus strand). VCF-style: chr16-88643513-T-C. GRCh37 (hg19) VCF-style: chr16-88709921-T-C.
Other names: short protein forms Q143R.
Identifiers: ClinVar variation 3670301 (VCV003670301.2).
Genomic context (GRCh38, chr16:88,643,513, plus strand): 5'-GCCTCGGCCGGGGGCCGCGGCGGGGGGTTGCTGGGCGGCTGCTTGATGGTGCCTCCGATC[T>C]GCGGCCGCTCCCGGGGCTTGGGCTCGATGGGCGTCCACTGCTCGCCACGCACAGCCGCCT-3'
Protein context (NP_000092.2, residues 133-153): PIEPKPRERP[Gln143Arg]IGGTIKQPPS